The following is an entry in ClinVar:

NM_025219.3(DNAJC5):c.76G>A (p.Ala26Thr)

Gene: DNAJC5 (DnaJ heat shock protein family (Hsp40) member C5; plus strand). Cytogenetic location: 20q13.33.
Variant type: single nucleotide variant.
Coding change: c.76G>A on transcript NM_025219.3 (MANE Select); coding-DNA position 76, G replaced by A.
Protein change: p.Ala26Thr; replaces alanine 26 with threonine.
Molecular consequence: missense variant.
Genome position (GRCh38, 1-based): chr20:63,928,421, G>A. VCF-style: chr20-63928421-G-A. GRCh37 (hg19) VCF-style: chr20-62559774-G-A.
Other names: short protein forms A26T.
Identifiers: ClinVar variation 658786 (VCV000658786.11), dbSNP rs753722773, ClinGen allele CA409715499.

ClinVar aggregate classification (germline): Uncertain significance. Review status: criteria provided, multiple submitters, no conflicts (2 of 4 stars). 2 submissions from 2 submitters: Uncertain significance (2). Last evaluated 2020-02-22.

Conditions:
Neuronal ceroid lipofuscinosis. Also called: Neuronal Ceroid Lipofuscinoses. Identifiers: Orphanet 216, Orphanet 79263, MedGen C0027877, MONDO:0016295. Disease mechanism: loss of function.

Allele frequency attached by ClinVar (database versions not stated): TOPMed below 0.00001; gnomAD 0.00001.
gnomAD v4.1: 14 of 1,613,870 alleles (0.00087%); highest among the groups gnomAD compares: East Asian, 0.0022%; no homozygotes.

Submissions (2):

Labcorp Genetics (formerly Invitae), Labcorp
Classification: Uncertain significance for Neuronal ceroid lipofuscinosis. Last evaluated: 2020-02-22. Review status: criteria provided, single submitter. Criteria: Invitae Variant Classification Sherloc (09022015). Collection method: clinical testing. Allele origin: germline.
Comment: This sequence change replaces alanine with threonine at codon 26 of the DNAJC5 protein (p.Ala26Thr). The alanine residue is highly conserved and there is a small physicochemical difference between alanine and threonine. This variant is not present in population databases (ExAC no frequency). This variant has not been reported in the literature in individuals with DNAJC5-related disease. Algorithms developed to predict the effect of missense changes on protein structure and function are either unavailable or do not agree on the potential impact of this missense change (SIFT: "Deleterious"; PolyPhen-2: "Possibly Damaging"; Align-GVGD: "Class C0"). In summary, the available evidence is currently insufficient to determine the role of this variant in disease. Therefore, it has been classified as a Variant of Uncertain Significance.

Blueprint Genetics
Classification: Uncertain significance. Last evaluated: 2019-07-24. Review status: criteria provided, single submitter. Criteria: ACMG Guidelines, 2015. Collection method: clinical testing. Allele origin: germline.